The following is an entry in ClinVar:

ClinVar aggregate classification (germline): Uncertain significance (1 of 4 stars; one submission).

Conditions:
Dyskeratosis congenita. Identifiers: Orphanet 1775, MedGen C0265965, MONDO:0015780.

Submission:

Labcorp Genetics (formerly Invitae), Labcorp
Classification: Uncertain significance for Dyskeratosis congenita. Last evaluated: 2024-12-05. Review status: criteria provided, single submitter. Criteria: Invitae Variant Classification Sherloc (09022015). Collection method: clinical testing. Allele origin: germline.
Comment: This sequence change replaces glutamic acid, which is acidic and polar, with glycine, which is neutral and non-polar, at codon 831 of the CTC1 protein (p.Glu831Gly). This variant is not present in population databases (gnomAD no frequency). This variant has not been reported in the literature in individuals affected with CTC1-related conditions. Invitae Evidence Modeling of protein sequence and biophysical properties (such as structural, functional, and spatial information, amino acid conservation, physicochemical variation, residue mobility, and thermodynamic stability) indicates that this missense variant is expected to disrupt CTC1 protein function with a positive predictive value of 80%. In summary, the available evidence is currently insufficient to determine the role of this variant in disease. Therefore, it has been classified as a Variant of Uncertain Significance.

NM_025099.6(CTC1):c.2492A>G (p.Glu831Gly)

Gene: CTC1 (CST telomere replication complex component 1; minus strand). Cytogenetic location: 17p13.1.
Variant type: single nucleotide variant.
Coding change: c.2492A>G on transcript NM_025099.6 (MANE Select); coding-DNA position 2492, A replaced by G.
Protein change: p.Glu831Gly; replaces glutamic acid 831 with glycine.
Molecular consequence: missense variant. On other transcripts: non-coding transcript variant (1).
Genome position (GRCh38, 1-based): chr17:8,231,453, T>C on the plus strand (A>G on the coding strand, the complement: CTC1 is on the minus strand). VCF-style: chr17-8231453-T-C. GRCh37 (hg19) VCF-style: chr17-8134771-T-C.
Other names: c.2492A>G, p.Glu831Gly (NM_001411067.1); short protein forms E831G.
Identifiers: ClinVar variation 3711549 (VCV003711549.2).